The following is an entry in ClinVar:

ClinVar aggregate classification (germline): Uncertain significance (1 of 4 stars; one submission).

Submission:

Labcorp Genetics (formerly Invitae), Labcorp
Classification: Uncertain significance. Last evaluated: 2023-07-17. Review status: criteria provided, single submitter. Criteria: Invitae Variant Classification Sherloc (09022015). Collection method: clinical testing. Allele origin: germline.
Comment: This sequence change falls in intron 4 of the KIF2A gene. It does not directly change the encoded amino acid sequence of the KIF2A protein. It affects a nucleotide within the consensus splice site. This variant is not present in population databases (gnomAD no frequency). This variant has not been reported in the literature in individuals affected with KIF2A-related conditions. ClinVar contains an entry for this variant (Variation ID: 2049850). Variants that disrupt the consensus splice site are a relatively common cause of aberrant splicing (PMID: 17576681, 9536098). Algorithms developed to predict the effect of sequence changes on RNA splicing suggest that this variant is not likely to affect RNA splicing. In summary, the available evidence is currently insufficient to determine the role of this variant in disease. Therefore, it has been classified as a Variant of Uncertain Significance.

Literature cited by the submitters: PubMed 17576681; PubMed 9536098.

NM_001098511.3(KIF2A):c.334+3A>G

Gene: KIF2A (kinesin family member 2A; plus strand). Cytogenetic location: 5q12.1.
Variant type: single nucleotide variant.
Coding change: c.334+3A>G on transcript NM_001098511.3 (MANE Select); 3 bases into the intron after coding-DNA position 334, A replaced by G.
Molecular consequence: intron variant.
Genome position (GRCh38, 1-based): chr5:62,350,123, A>G. VCF-style: chr5-62350123-A-G. GRCh37 (hg19) VCF-style: chr5-61645950-A-G.
Other names: c.253+3A>G (NM_001243952.2); c.334+3A>G (NM_004520.5, NM_001243953.2).
Identifiers: ClinVar variation 2049850 (VCV002049850.4), dbSNP rs2531324807, ClinGen allele CA2580073400.